The following is an entry in ClinVar:

ClinVar aggregate classification (germline): Pathogenic (1 of 4 stars; one submission).

Conditions:
Nemaline myopathy 2 (NEM2). Also called: Nemaline myopathy 2, autosomal recessive. Identifiers: MedGen C1850569, MONDO:0009725, OMIM 256030.

Submission:

Labcorp Genetics (formerly Invitae), Labcorp
Classification: Pathogenic for Nemaline myopathy 2. Last evaluated: 2023-06-09. Review status: criteria provided, single submitter. Criteria: Invitae Variant Classification Sherloc (09022015). Collection method: clinical testing. Allele origin: germline.
Comment: For these reasons, this variant has been classified as Pathogenic. ClinVar contains an entry for this variant (Variation ID: 1355873). This variant has not been reported in the literature in individuals affected with NEB-related conditions. This variant is not present in population databases (gnomAD no frequency). This sequence change creates a premature translational stop signal (p.His3533Profs*10) in the NEB gene. It is expected to result in an absent or disrupted protein product. Loss-of-function variants in NEB are known to be pathogenic (PMID: 25205138).

Literature cited by the submitters: PubMed 25205138.

NM_001164508.2(NEB):c.10598_10610del (p.His3533fs)

Gene: NEB (nebulin; minus strand). Cytogenetic location: 2q23.3.
Variant type: Deletion.
Coding change: c.10598_10610del on transcript NM_001164508.2 (MANE Select); coding-DNA positions 10598 to 10610, 13 bases deleted (ACCACATTGGCGC).
Protein change: p.His3533fs; shifts the reading frame from histidine 3533.
Molecular consequence: frameshift variant.
Genome position (GRCh38, 1-based): chr2:151,619,713-151,619,725, GCGCCAATGTGGT deleted on the plus strand (ACCACATTGGCGC on the coding strand, the reverse complement: NEB is on the minus strand); deleting any 13 consecutive bases within chr2:151,619,713-151,619,726 gives the same sequence; the c. name uses the placement nearest the transcript's 3' end. VCF-style (leftmost placement, unchanged base first): chr2-151619712-GGCGCCAATGTGGT-G. GRCh37 (hg19) VCF-style: chr2-152476226-GGCGCCAATGTGGT-G.
Other names: c.10598_10610del, p.His3533fs (NM_001164507.2, NM_001271208.2); c.9869_9881del, p.His3290fs (NM_004543.5); short protein forms H3290fs, H3533fs.
Identifiers: ClinVar variation 1355873 (VCV001355873.6), dbSNP rs2154022757, ClinGen allele CA2573133402.